The following is an entry in ClinVar:

ClinVar aggregate classification (germline): Uncertain significance (1 of 4 stars; one submission).

Conditions:
Cardiovascular phenotype. Identifiers: MedGen CN230736.

Allele frequency attached by ClinVar (database versions not stated): TOPMed below 0.00001.
gnomAD v4.1: 2 of 1,614,190 alleles (0.00012%); highest among the groups gnomAD compares: African/African-American, 0.0027%; no homozygotes.

Submission:

Ambry Genetics
Classification: Uncertain significance for Cardiovascular phenotype. Last evaluated: 2020-12-31. Review status: criteria provided, single submitter. Criteria: Ambry Variant Classification Scheme 2023. Collection method: clinical testing. Allele origin: germline.
Comment: The p.G3761V variant (also known as c.11282G>T), located in coding exon 46 of the AKAP9 gene, results from a G to T substitution at nucleotide position 11282. The glycine at codon 3761 is replaced by valine, an amino acid with dissimilar properties. This amino acid position is well conserved in available vertebrate species. In addition, this alteration is predicted to be tolerated by in silico analysis. Since supporting evidence is limited at this time, the clinical significance of this alteration remains unclear.

NM_005751.5(AKAP9):c.11282G>T (p.Gly3761Val)

Gene: AKAP9 (A-kinase anchoring protein 9; plus strand). Cytogenetic location: 7q21.2.
Variant type: single nucleotide variant.
Coding change: c.11282G>T on transcript NM_005751.5 (MANE Select); coding-DNA position 11282, G replaced by T.
Protein change: p.Gly3761Val; replaces glycine 3761 with valine.
Molecular consequence: missense variant.
Genome position (GRCh38, 1-based): chr7:92,102,778, G>T. VCF-style: chr7-92102778-G-T. GRCh37 (hg19) VCF-style: chr7-91732092-G-T.
Other names: c.5927G>T, p.Gly1976Val (NM_001379277.1); c.11258G>T, p.Gly3753Val (NM_147185.3); short protein forms G3753V, G1976V, G3761V.
Identifiers: ClinVar variation 1727287 (VCV001727287.2), dbSNP rs1240832304, ClinGen allele CA368162704.